The following is an entry in ClinVar:

ClinVar aggregate classification (germline): Uncertain significance (1 of 4 stars; one submission).

Allele frequency attached by ClinVar (database versions not stated): gnomAD exomes 0.00001.

Submission:

Labcorp Genetics (formerly Invitae), Labcorp
Classification: Uncertain significance. Last evaluated: 2022-06-20. Review status: criteria provided, single submitter. Criteria: Invitae Variant Classification Sherloc (09022015). Collection method: clinical testing. Allele origin: germline.
Comment: This variant has not been reported in the literature in individuals affected with WHRN-related conditions. The frequency data for this variant in the population databases is considered unreliable, as metrics indicate poor data quality at this position in the gnomAD database. This sequence change replaces serine, which is neutral and polar, with leucine, which is neutral and non-polar, at codon 9 of the WHRN protein (p.Ser9Leu). Algorithms developed to predict the effect of missense changes on protein structure and function are either unavailable or do not agree on the potential impact of this missense change (SIFT: "Tolerated"; PolyPhen-2: "Possibly Damaging"; Align-GVGD: "Class C0"). In summary, the available evidence is currently insufficient to determine the role of this variant in disease. Therefore, it has been classified as a Variant of Uncertain Significance.

NM_015404.4(WHRN):c.26C>T (p.Ser9Leu)

Gene: WHRN (whirlin; minus strand). Cytogenetic location: 9q32.
Variant type: single nucleotide variant.
Coding change: c.26C>T on transcript NM_015404.4 (MANE Select); coding-DNA position 26, C replaced by T.
Protein change: p.Ser9Leu; replaces serine 9 with leucine.
Molecular consequence: missense variant.
Genome position (GRCh38, 1-based): chr9:114,504,776, G>A on the plus strand (C>T on the coding strand, the complement: WHRN is on the minus strand). VCF-style: chr9-114504776-G-A. GRCh37 (hg19) VCF-style: chr9-117267056-G-A.
Other names: c.26C>T, p.Ser9Leu (NM_001173425.2); short protein forms S9L.
Identifiers: ClinVar variation 1476144 (VCV001476144.8), dbSNP rs776268964, ClinGen allele CA374614842.
Genomic context (GRCh38, chr9:114,504,776, plus strand): 5'-CCCCCGCCGCCGCCCGCCCCGGCCGCCGAGCCCAGCGAGCCGGTGGAGGACGAGCTCACC[G>A]ACAGGCCGTCCAGCGGCGCGTTCATCTCCACGCCGAGGCCCGGCCGGGCTCTGAGCGCGC-3'
Protein context (NP_056219.3, residues 1-19): MNAPLDGL[Ser9Leu]VSSSSTGSLG